The following is an entry in ClinVar:

NM_000138.5(FBN1):c.2740T>G (p.Cys914Gly)

Gene: FBN1 (fibrillin 1; minus strand). Cytogenetic location: 15q21.1.
Variant type: single nucleotide variant.
Coding change: c.2740T>G on transcript NM_000138.5 (MANE Select); coding-DNA position 2740, T replaced by G.
Protein change: p.Cys914Gly; replaces cysteine 914 with glycine.
Molecular consequence: missense variant.
Genome position (GRCh38, 1-based): chr15:48,492,575, A>C on the plus strand (T>G on the coding strand, the complement: FBN1 is on the minus strand). VCF-style: chr15-48492575-A-C. GRCh37 (hg19) VCF-style: chr15-48784772-A-C.
Other names: short protein forms C914G.
Identifiers: ClinVar variation 520236 (VCV000520236.3), dbSNP rs1555398994, ClinGen allele CA392330873.

ClinVar aggregate classification (germline): Likely pathogenic (1 of 4 stars; one submission).

Conditions:
Cardiovascular phenotype. Identifiers: MedGen CN230736.

Submission:

Ambry Genetics
Classification: Likely pathogenic for Cardiovascular phenotype. Last evaluated: 2015-09-23. Review status: criteria provided, single submitter. Criteria: Ambry Autosomal Dominant and X-Linked criteria (10/2015). Collection method: clinical testing. Allele origin: germline. Observed: 1 variant allele.
Comment: The p.C914G variant (also known as c.2740T>G), located in coding exon 23 of the FBN1 gene, results from a T to G substitution at nucleotide position 2740. The cysteine at codon 914 is replaced by glycine, an amino acid with highly dissimilar properties. An alteration at the same amino acid position, p.C914S, was reported in an individual with Marfan<span style="line-height:13.8667px">syndrom (Stheneur<span style="line-height:13.8667px">C et al<span style="line-height:13.8667px">,<em style="line-height:13.8667px">Eur. J. Hum. Genet<span style="line-height:13.8667px">. 2009 Sep; 17(9):1121-8) and also in multple related affected individuals from a family (Cabrera-Bueno F et al, J. Cardiol. Cases 2014; 10:235-357).This variant was not reported in population based cohorts in the following databases: Database of Single Nucleotide Polymorphisms (dbSNP), NHLBI Exome Sequencing Project (ESP), and 1000 Genomes Project. In the ESP, this variant was not observed in 6494 samples (12988 alleles) with coverage at this position. This amino acid position is highly conserved in available vertebrate species. In addition, this alteration is predicted to be deleterious by in silico analysis.Since supporting evidence is limited at this time, the clinical significance of this variant remains unclear.

Literature cited by the submitters: PubMed 19293843.